The following is an entry in ClinVar:

NM_000264.5(PTCH1):c.2568G>T (p.Gln856His)

Gene: PTCH1 (patched 1; minus strand). Cytogenetic location: 9q22.32.
Variant type: single nucleotide variant.
Coding change: c.2568G>T on transcript NM_000264.5 (MANE Select); coding-DNA position 2568, G replaced by T.
Protein change: p.Gln856His; replaces glutamine 856 with histidine.
Molecular consequence: missense variant. On other transcripts: non-coding transcript variant (1).
Genome position (GRCh38, 1-based): chr9:95,461,991, C>A on the plus strand (G>T on the coding strand, the complement: PTCH1 is on the minus strand). VCF-style: chr9-95461991-C-A. GRCh37 (hg19) VCF-style: chr9-98224273-C-A.
Other names: c.2370G>T, p.Gln790His (NM_001083602.3); c.2565G>T, p.Gln855His (NM_001083603.3); c.2115G>T, p.Gln705His (NM_001083604.3, NM_001083605.3, NM_001083606.3 and 1 more transcripts); c.2412G>T, p.Gln804His (NM_001354918.2); short protein forms Q790H, Q856H, Q804H, Q705H, Q855H.
Identifiers: ClinVar variation 3939954 (VCV003939954.1).

ClinVar aggregate classification (germline): Uncertain significance (1 of 4 stars; one submission).

Conditions:
Hereditary cancer-predisposing syndrome. Also called: Tumor predisposition; Hereditary neoplastic syndrome; Hereditary Cancer Syndrome; Neoplastic Syndromes, Hereditary. Identifiers: Orphanet 140162, MedGen C0027672, MeSH D009386, MONDO:0015356.

Submission:

Ambry Genetics
Classification: Uncertain significance for Hereditary cancer-predisposing syndrome. Last evaluated: 2025-04-19. Review status: criteria provided, single submitter. Criteria: Ambry Variant Classification Scheme 2023. Collection method: clinical testing. Allele origin: germline.
Comment: The p.Q856H variant (also known as c.2568G>T), located in coding exon 16 of the PTCH1 gene, results from a G to T substitution at nucleotide position 2568. The glutamine at codon 856 is replaced by histidine, an amino acid with highly similar properties. This amino acid position is conserved. In addition, this alteration is predicted to be deleterious by in silico analysis. Based on the available evidence, the clinical significance of this variant remains unclear.